The following is an entry in ClinVar:

NM_020778.5(ALPK3):c.3662C>T (p.Ala1221Val)

Gene: ALPK3 (alpha kinase 3; plus strand). Cytogenetic location: 15q25.3.
Variant type: single nucleotide variant.
Coding change: c.3662C>T on transcript NM_020778.5 (MANE Select); coding-DNA position 3662, C replaced by T.
Protein change: p.Ala1221Val; replaces alanine 1221 with valine.
Molecular consequence: missense variant.
Genome position (GRCh38, 1-based): chr15:84,858,400, C>T. VCF-style: chr15-84858400-C-T. GRCh37 (hg19) VCF-style: chr15-85401631-C-T.
Other names: short protein forms A1221V.
Identifiers: ClinVar variation 1427521 (VCV001427521.11), dbSNP rs557058818, ClinGen allele CA7709690.

ClinVar aggregate classification (germline): Conflicting classifications of pathogenicity. Review status: criteria provided, conflicting classifications (1 of 4 stars). 4 submissions from 4 submitters: Uncertain significance (2); Likely benign (2). Last evaluated 2026-02-28.

Conditions:
ALPK3-related disorder. Also called: ALPK3-related condition.
Cardiovascular phenotype. Identifiers: MedGen CN230736.

Allele frequency attached by ClinVar (database versions not stated): TOPMed 0.00007; ExAC 0.00010; gnomAD 0.00013 and 0.00014.

Submissions (4):

PreventionGenetics, part of Exact Sciences
Classification: Uncertain significance for ALPK3-related condition. Last evaluated: 2026-02-28. Review status: criteria provided, single submitter. Criteria: ACMG Guidelines, 2015. Collection method: clinical testing. Allele origin: germline.
Comment: The ALPK3 c.4268C>T variant is predicted to result in the amino acid substitution p.Ala1423Val. This variant has been reported in an individual with unspecified cardiomyopathy (Online Supplementary File 2, van Lint et al. 2019. PubMed ID: 30847666). This variant is reported in 0.019% of alleles in individuals of European (Non-Finnish) descent in gnomAD. At this time, the clinical significance of this variant is uncertain due to the absence of conclusive functional and genetic evidence.

Labcorp Genetics (formerly Invitae), Labcorp
Classification: Uncertain significance. Last evaluated: 2026-02-03. Review status: criteria provided, single submitter. Criteria: Invitae Variant Classification Sherloc (09022015). Collection method: clinical testing. Allele origin: germline.
Comment: This sequence change replaces alanine, which is neutral and non-polar, with valine, which is neutral and non-polar, at codon 1423 of the ALPK3 protein (p.Ala1423Val). This variant is present in population databases (rs557058818, gnomAD 0.02%). This variant has not been reported in the literature in individuals affected with ALPK3-related conditions. ClinVar contains an entry for this variant (Variation ID: 1427521). Invitae Evidence Modeling of protein sequence and biophysical properties (such as structural, functional, and spatial information, amino acid conservation, physicochemical variation, residue mobility, and thermodynamic stability) indicates that this missense variant is not expected to disrupt ALPK3 protein function with a negative predictive value of 80%. In summary, the available evidence is currently insufficient to determine the role of this variant in disease. Therefore, it has been classified as a Variant of Uncertain Significance.

Ambry Genetics
Classification: Likely benign for Cardiovascular phenotype. Last evaluated: 2024-06-20. Review status: criteria provided, single submitter. Criteria: Ambry Variant Classification Scheme 2023. Collection method: clinical testing. Allele origin: germline.

Blueprint Genetics
Classification: Likely benign. Last evaluated: 2024-02-05. Review status: criteria provided, single submitter. Criteria: ACMG Guidelines, 2015. Collection method: clinical testing. Allele origin: germline.

Literature cited by the submitters: PubMed 30847666 (cited by Ambry Genetics).